The following is an entry in ClinVar:

NM_000179.3(MSH6):c.2224A>G (p.Asn742Asp)

Gene: MSH6 (mutS homolog 6; plus strand). Cytogenetic location: 2p16.3.
Variant type: single nucleotide variant.
Coding change: c.2224A>G on transcript NM_000179.3 (MANE Select); coding-DNA position 2224, A replaced by G.
Protein change: p.Asn742Asp; replaces asparagine 742 with aspartic acid.
Molecular consequence: missense variant. On other transcripts: non-coding transcript variant (5), intron variant (2).
Genome position (GRCh38, 1-based): chr2:47,800,207, A>G. VCF-style: chr2-47800207-A-G. GRCh37 (hg19) VCF-style: chr2-48027346-A-G.
Other names: c.1834A>G, p.Asn612Asp (NM_001281492.2); c.1318A>G, p.Asn440Asp (NM_001281493.2, NM_001281494.2, NM_001406811.1 and 6 more transcripts); c.2320A>G, p.Asn774Asp (NM_001406795.1, NM_001406802.1); c.2224A>G, p.Asn742Asp (NM_001406796.1, NM_001406798.1, NM_001406800.1 and 3 more transcripts); c.1927A>G, p.Asn643Asp (NM_001406797.1, NM_001406801.1, NM_001406805.1 and 10 more transcripts); c.1699A>G, p.Asn567Asp (NM_001406799.1, NM_001406806.1, NM_001406807.1); c.2146A>G, p.Asn716Asp (NM_001406804.1); c.2230A>G, p.Asn744Asp (NM_001406813.1); and 3 more; short protein forms N440D, N567D, N612D, N643D, N686D, N716D, N742D, N744D.
Identifiers: ClinVar variation 3230528 (VCV003230528.1), dbSNP rs2104395048, ClinGen allele CA346752456.

ClinVar aggregate classification (germline): Uncertain significance (1 of 4 stars; one submission).

Conditions:
Hereditary cancer-predisposing syndrome. Also called: Neoplastic Syndromes, Hereditary; Tumor predisposition; Hereditary neoplastic syndrome; Hereditary Cancer Syndrome. Identifiers: Orphanet 140162, MedGen C0027672, MeSH D009386, MONDO:0015356.

Submission:

Ambry Genetics
Classification: Uncertain significance for Hereditary cancer-predisposing syndrome. Last evaluated: 2023-10-21. Review status: criteria provided, single submitter. Criteria: Ambry Variant Classification Scheme 2023. Collection method: clinical testing. Allele origin: germline.
Comment: The p.N742D variant (also known as c.2224A>G), located in coding exon 4 of the MSH6 gene, results from an A to G substitution at nucleotide position 2224. The asparagine at codon 742 is replaced by aspartic acid, an amino acid with highly similar properties. This amino acid position is conserved. In addition, the in silico prediction for this alteration is inconclusive. Since supporting evidence is limited at this time, the clinical significance of this alteration remains unclear.